The following is an entry in ClinVar:

NM_004304.5(ALK):c.1399G>T (p.Glu467Ter)

Gene: ALK (ALK receptor tyrosine kinase; minus strand). Cytogenetic location: 2p23.2.
Variant type: single nucleotide variant.
Coding change: c.1399G>T on transcript NM_004304.5 (MANE Select); coding-DNA position 1399, G replaced by T.
Protein change: p.Glu467Ter; replaces glutamic acid 467 with a stop codon.
Molecular consequence: nonsense.
Genome position (GRCh38, 1-based): chr2:29,328,365, C>A on the plus strand (G>T on the coding strand, the complement: ALK is on the minus strand). VCF-style: chr2-29328365-C-A. GRCh37 (hg19) VCF-style: chr2-29551231-C-A.
Other names: short protein forms E467*.
Identifiers: ClinVar variation 1508478 (VCV001508478.6), dbSNP rs2148258207, ClinGen allele CA346474115.
Genomic context (GRCh38, chr2:29,328,365, plus strand): 5'-GCATGGGCTGGGCTCAGGCAGGGTGGGGCAGCCCCATCTACTCACGGCACATCTGGCTCT[C>A]ATCTTCTCCCTGGGCACAGTCCTGGTGGAAGTCACAGGCCTGCCCAAGCTGGAGGACTGT-3'

ClinVar aggregate classification (germline): Uncertain significance (1 of 4 stars; one submission).

Conditions:
Neuroblastoma, susceptibility to, 3. Also called: ALK-Related Neuroblastic Tumor Susceptibility. Identifiers: Orphanet 635, MedGen C2751681, MONDO:0013083, OMIM 613014.

Submission:

Labcorp Genetics (formerly Invitae), Labcorp
Classification: Uncertain significance for Neuroblastoma, susceptibility to, 3. Last evaluated: 2020-12-15. Review status: criteria provided, single submitter. Criteria: Invitae Variant Classification Sherloc (09022015). Collection method: clinical testing. Allele origin: germline.
Comment: This sequence change creates a premature translational stop signal (p.Glu467*) in the ALK gene. It is expected to result in an absent or disrupted protein product. However, the current clinical and genetic evidence is not sufficient to establish whether loss-of-function variants in ALK cause disease. This variant is not present in population databases (ExAC no frequency). This variant has not been reported in the literature in individuals with ALK-related conditions. In summary, the available evidence is currently insufficient to determine the role of this variant in disease. Therefore, it has been classified as a Variant of Uncertain Significance.